The following is an entry in ClinVar:

ClinVar aggregate classification (germline): Uncertain significance (1 of 4 stars; one submission).

Submission:

Ambry Genetics
Classification: Uncertain significance. Last evaluated: 2024-05-17. Review status: criteria provided, single submitter. Criteria: Ambry Variant Classification Scheme 2023. Collection method: clinical testing. Allele origin: germline.
Comment: The p.I334T variant (also known as c.1001T>C), located in coding exon 7 of the POLQ gene, results from a T to C substitution at nucleotide position 1001. The isoleucine at codon 334 is replaced by threonine, an amino acid with similar properties. This amino acid position is conserved. In addition, this alteration is predicted to be tolerated by in silico analysis. Based on the available evidence, the clinical significance of this variant remains unclear.

NM_199420.4(POLQ):c.1001T>C (p.Ile334Thr)

Gene: POLQ (DNA polymerase theta; minus strand). Cytogenetic location: 3q13.33.
Variant type: single nucleotide variant.
Coding change: c.1001T>C on transcript NM_199420.4 (MANE Select); coding-DNA position 1001, T replaced by C.
Protein change: p.Ile334Thr; replaces isoleucine 334 with threonine.
Molecular consequence: missense variant.
Genome position (GRCh38, 1-based): chr3:121,529,752, A>G on the plus strand (T>C on the coding strand, the complement: POLQ is on the minus strand). VCF-style: chr3-121529752-A-G. GRCh37 (hg19) VCF-style: chr3-121248599-A-G.
Other names: short protein forms I334T.
Identifiers: ClinVar variation 3308684 (VCV003308684.1).